The following is an entry in ClinVar:

NM_001100.4(ACTA1):c.1130T>C (p.Phe377Ser)

Gene: ACTA1 (actin alpha 1, skeletal muscle; minus strand). Cytogenetic location: 1q42.13.
Variant type: single nucleotide variant.
Coding change: c.1130T>C on transcript NM_001100.4 (MANE Select); coding-DNA position 1130, T replaced by C.
Protein change: p.Phe377Ser; replaces phenylalanine 377 with serine.
Molecular consequence: missense variant.
Genome position (GRCh38, 1-based): chr1:229,431,503, A>G on the plus strand (T>C on the coding strand, the complement: ACTA1 is on the minus strand). VCF-style: chr1-229431503-A-G. GRCh37 (hg19) VCF-style: chr1-229567250-A-G.
Other names: short protein forms F377S.
Identifiers: ClinVar variation 692083 (VCV000692083.1), dbSNP rs1571892193, ClinGen allele CA345144046.

ClinVar aggregate classification (germline): Likely pathogenic (1 of 4 stars; one submission).

Conditions:
Actin accumulation myopathy (CMYO2A). Also called: CONGENITAL MYOPATHY 2A, TYPICAL, AUTOSOMAL DOMINANT; Nemaline myopathy type 3; Myopathy, actin, congenital, with excess of thin myofilaments; Myopathy, actin, congenital, with cores; Nemaline myopathy 3, with intranuclear rods. Identifiers: Orphanet 98904, MedGen C3711389, MONDO:0008070, OMIM 161800.

Submission:

Rady Children's Institute for Genomic Medicine, Rady Children's Hospital San Diego
Classification: Likely pathogenic for NEMALINE MYOPATHY 3. Last evaluated: 2019-03-08. Review status: criteria provided, single submitter. Criteria: ACMG Guidelines, 2015. Collection method: clinical testing. Allele origin: germline. Affected: yes. Observed: 1 variant allele.
Comment: This variant has not been previously reported or functionally characterized in the literature to our knowledge. Other variants at this nucleotide position have been reported in two individuals with autosomal dominant nemaline myopathy and variants in this exon are frequently associated with autosomal dominant inheritance (PMID: 16967490, 19562689). It is absent from the ExAC and gnomAD population databases and thus is presumed to be rare. In silico analyses support a deleterious effect of the c.1130T>C (p.Phe377Ser) variant on protein function. Analysis of the parental samples was negative for the variant, indicating this variant likely occurred as a de novo event. Based on the available evidence, the c.1130T>C (p.Phe377Ser) variant is classified as Likely pathogenic.